The following is an entry in ClinVar:

ClinVar aggregate classification (germline): Uncertain significance (1 of 4 stars; one submission).

gnomAD v4.1: 14 of 1,614,218 alleles (0.00087%); highest among the groups gnomAD compares: East Asian, 0.029%; no homozygotes.

Submission:

GeneDx
Classification: Uncertain significance. Last evaluated: 2024-07-05. Review status: criteria provided, single submitter. Criteria: GeneDx Variant Classification Process June 2021. Collection method: clinical testing. Allele origin: germline. Affected: yes.
Comment: Not observed at significant frequency in large population cohorts (gnomAD); In silico analysis supports that this missense variant has a deleterious effect on protein structure/function; In silico analysis indicates that this missense variant does not alter protein structure/function; Has not been previously published as pathogenic or benign to our knowledge

NM_207034.3(EDN3):c.588G>T (p.Lys196Asn)

Gene: EDN3 (endothelin 3; plus strand). Cytogenetic location: 20q13.32.
Variant type: single nucleotide variant.
Coding change: c.588G>T on transcript NM_207034.3 (MANE Select); coding-DNA position 588, G replaced by T.
Protein change: p.Lys196Asn; replaces lysine 196 with asparagine.
Molecular consequence: missense variant. On other transcripts: intron variant (2).
Genome position (GRCh38, 1-based): chr20:59,322,417, G>T. VCF-style: chr20-59322417-G-T. GRCh37 (hg19) VCF-style: chr20-57897472-G-T.
Other names: c.588G>T, p.Lys196Asn (NM_001302455.2, NM_001424362.1, NM_001424363.1 and 1 more transcripts); c.602G>T, p.Arg201Met (NM_001424361.1); c.542+1224G>T (NM_207033.3, NM_001302456.2); short protein forms K196N, R201M.
Identifiers: ClinVar variation 3393680 (VCV003393680.1).